The following is an entry in ClinVar:

NM_001927.4(DES):c.461T>A (p.Leu154His)

Gene: DES (desmin; plus strand). Cytogenetic location: 2q35.
Variant type: single nucleotide variant.
Coding change: c.461T>A on transcript NM_001927.4 (MANE Select); coding-DNA position 461, T replaced by A.
Protein change: p.Leu154His; replaces leucine 154 with histidine.
Molecular consequence: missense variant.
Genome position (GRCh38, 1-based): chr2:219,418,923, T>A. VCF-style: chr2-219418923-T-A. GRCh37 (hg19) VCF-style: chr2-220283645-T-A.
Other names: c.461T>A (LRG_380t1); short protein forms L154H.
Identifiers: ClinVar variation 565920 (VCV000565920.12), dbSNP rs755106109, ClinGen allele CA2125071.
Genomic context (GRCh38, chr2:219,418,923, plus strand): 5'-CGGCGCTCGCCGCCGAAGTGAACCGGCTCAAGGGCCGCGAGCCGACGCGAGTGGCCGAGC[T>A]CTACGAGGAGGAGCTGCGGGAGCTGCGGCGCCAGGTGGAGGTGCTCACTAACCAGCGCGC-3'
Protein context (NP_001918.3, residues 144-164): KGREPTRVAE[Leu154His]YEEELRELRR

ClinVar aggregate classification (germline): Uncertain significance. Review status: criteria provided, multiple submitters, no conflicts (2 of 4 stars). 3 submissions from 3 submitters: Uncertain significance (3). Last evaluated 2025-07-24.

Conditions:
Desmin-related myofibrillar myopathy (MFM1). Also called: Myofibrillar myopathy 1; Desminopathy; Desmin related myopathy (former name); Desmin storage myopathy (former name); MYOFIBRILLAR MYOPATHY WITH ARRHYTHMOGENIC RIGHT VENTRICULAR CARDIOMYOPATHY; DESMIN-RELATED MYOPATHY WITH ARRHYTHMOGENIC RIGHT VENTRICULAR CARDIOMYOPATHY. Identifiers: Orphanet 363543, Orphanet 98909, MedGen C1832370, MONDO:0011076, OMIM 601419.
Cardiovascular phenotype. Identifiers: MedGen CN230736.

Allele frequency attached by ClinVar (database versions not stated): gnomAD exomes 0.00003; ExAC 0.00005.
gnomAD v4.1: 25 of 1,561,684 alleles (0.0016%); highest among the groups gnomAD compares: South Asian, 0.028%; no homozygotes.

Submissions (3):

GeneDx
Classification: Uncertain significance. Last evaluated: 2025-07-24. Review status: criteria provided, single submitter. Criteria: GeneDx Variant Classification Process June 2021. Collection method: clinical testing. Allele origin: germline. Affected: yes.
Comment: In silico analysis supports that this missense variant has a deleterious effect on protein structure/function; Has not been previously published as pathogenic or benign to our knowledge; This variant is associated with the following publications: (PMID: 26807690)

Labcorp Genetics (formerly Invitae), Labcorp
Classification: Uncertain significance for Desmin-related myofibrillar myopathy. Last evaluated: 2025-02-05. Review status: criteria provided, single submitter. Criteria: Invitae Variant Classification Sherloc (09022015). Collection method: clinical testing. Allele origin: germline.
Comment: This sequence change replaces leucine, which is neutral and non-polar, with histidine, which is basic and polar, at codon 154 of the DES protein (p.Leu154His). This variant is present in population databases (rs755106109, gnomAD 0.02%). This variant has not been reported in the literature in individuals affected with DES-related conditions. ClinVar contains an entry for this variant (Variation ID: 565920). Invitae Evidence Modeling of protein sequence and biophysical properties (such as structural, functional, and spatial information, amino acid conservation, physicochemical variation, residue mobility, and thermodynamic stability) has been performed for this missense variant. However, the output from this modeling did not meet the statistical confidence thresholds required to predict the impact of this variant on DES protein function. In summary, the available evidence is currently insufficient to determine the role of this variant in disease. Therefore, it has been classified as a Variant of Uncertain Significance.

Ambry Genetics
Classification: Uncertain significance for Cardiovascular phenotype. Last evaluated: 2024-10-15. Review status: criteria provided, single submitter. Criteria: Ambry Variant Classification Scheme 2023. Collection method: clinical testing. Allele origin: germline.
Comment: The p.L154H variant (also known as c.461T>A), located in coding exon 1 of the DES gene, results from a T to A substitution at nucleotide position 461. The leucine at codon 154 is replaced by histidine, an amino acid with similar properties. This amino acid position is conserved. In addition, the in silico prediction for this alteration is inconclusive. Based on the available evidence, the clinical significance of this variant remains unclear.